The following is an entry in ClinVar:

NM_001378778.1(MPDZ):c.760C>T (p.His254Tyr)

Gene: MPDZ (multiple PDZ domain crumbs cell polarity complex component; minus strand). Cytogenetic location: 9p23.
Variant type: single nucleotide variant.
Coding change: c.760C>T on transcript NM_001378778.1 (MANE Select); coding-DNA position 760, C replaced by T.
Protein change: p.His254Tyr; replaces histidine 254 with tyrosine.
Molecular consequence: missense variant.
Genome position (GRCh38, 1-based): chr9:13,221,488, G>A on the plus strand (C>T on the coding strand, the complement: MPDZ is on the minus strand). VCF-style: chr9-13221488-G-A. GRCh37 (hg19) VCF-style: chr9-13221487-G-A.
Other names: c.760C>T, p.His254Tyr (NM_001261406.2, NM_001261407.2, NM_001330637.2 and 14 more transcripts); short protein forms H254Y.
Identifiers: ClinVar variation 1418598 (VCV001418598.5), dbSNP rs536897105, ClinGen allele CA4988012.

ClinVar aggregate classification (germline): Uncertain significance (1 of 4 stars; one submission).

Allele frequency attached by ClinVar (database versions not stated): gnomAD exomes below 0.00001; ExAC 0.00001; gnomAD 0.00001.
gnomAD v4.1: 13 of 1,610,078 alleles (0.00081%); highest among the groups gnomAD compares: Middle Eastern, 0.017%; no homozygotes.

Submission:

Labcorp Genetics (formerly Invitae), Labcorp
Classification: Uncertain significance. Last evaluated: 2024-11-03. Review status: criteria provided, single submitter. Criteria: Invitae Variant Classification Sherloc (09022015). Collection method: clinical testing. Allele origin: germline.
Comment: This sequence change replaces histidine, which is basic and polar, with tyrosine, which is neutral and polar, at codon 254 of the MPDZ protein (p.His254Tyr). This variant is present in population databases (rs536897105, gnomAD 0.0009%). This variant has not been reported in the literature in individuals affected with MPDZ-related conditions. ClinVar contains an entry for this variant (Variation ID: 1418598). An algorithm developed to predict the effect of missense changes on protein structure and function (PolyPhen-2) suggests that this variant is likely to be disruptive. In summary, the available evidence is currently insufficient to determine the role of this variant in disease. Therefore, it has been classified as a Variant of Uncertain Significance.